The following is an entry in ClinVar:

NM_022436.3(ABCG5):c.1856G>C (p.Arg619Thr)

Genes: ABCG5 (ATP binding cassette subfamily G member 5; minus strand), DYNC2LI1 (dynein cytoplasmic 2 light intermediate chain 1; plus strand). Cytogenetic location: 2p21.
Variant type: single nucleotide variant.
Coding change: c.1856G>C on transcript NM_022436.3 (MANE Select); coding-DNA position 1856, G replaced by C.
Protein change: p.Arg619Thr; replaces arginine 619 with threonine.
Molecular consequence: missense variant. On other transcripts: intron variant (2).
Genome position (GRCh38, 1-based): chr2:43,813,216, C>G on the plus strand (G>C on the coding strand, the complement: ABCG5 is on the minus strand). VCF-style: chr2-43813216-C-G. GRCh37 (hg19) VCF-style: chr2-44040355-C-G.
Other names: c.*15+2692C>G (NM_001348913.2, NM_001348912.2); short protein forms R619T.
Identifiers: ClinVar variation 854673 (VCV000854673.17), dbSNP rs374012053, ClinGen allele CA1636134.

ClinVar aggregate classification (germline): Uncertain significance. Review status: criteria provided, multiple submitters, no conflicts (2 of 4 stars). 4 submissions from 4 submitters: Uncertain significance (4). Last evaluated 2026-03-05.

Conditions:
Sitosterolemia 2. Identifiers: MedGen C5231453, MONDO:0020748, OMIM 618666.
Cardiovascular phenotype. Identifiers: MedGen CN230736.
Sitosterolemia (STSL). Also called: PHYTOSTEROLEMIA. Identifiers: Orphanet 2882, MedGen C0342907, MONDO:0008863.

Allele frequency attached by ClinVar (database versions not stated): gnomAD exomes 0.00002 and 0.00010; gnomAD 0.00007 and 0.00006; 1000 Genomes Project 0.00020; ExAC 0.00006; 1000 Genomes Project 30x 0.00016; TOPMed 0.00005.
gnomAD v4.1: 46 of 1,611,330 alleles (0.0029%); highest among the groups gnomAD compares: East Asian, 0.087%; no homozygotes.

Submissions (4):

Department of Cardiology, Mackay Memorial Hospital
Classification: Uncertain significance for Sitosterolemia. Last evaluated: 2026-03-05. Review status: criteria provided, single submitter. Criteria: ACMG Guidelines, 2015. Collection method: clinical testing. Allele origin: germline. Affected: yes.
Comment: The ABCG5 c.1856G>C (p.Arg619Thr) (Accession: VCV000854673.16) variant is a missense alteration located in exon 13, resulting in the substitution of arginine, a basic polar amino acid, by threonine, a neutral polar amino acid, at codon 619. This variant is present in population databases (rs374012053; gnomAD allele frequency approximately 0.1%) and has been reported in individuals with familial hypercholesterolemia (PMID: 32088153). It is also listed in ClinVar (VCV000854673.16). In silico prediction using PolyPhen-2 suggests a potentially deleterious effect on protein structure or function. However, because the currently available clinical and functional evidence remains insufficient or conflicting to establish a definitive disease association, this variant is classified as a variant of uncertain significance (VUS).

Labcorp Genetics (formerly Invitae), Labcorp
Classification: Uncertain significance for Sitosterolemia. Last evaluated: 2024-12-03. Review status: criteria provided, single submitter. Criteria: Invitae Variant Classification Sherloc (09022015). Collection method: clinical testing. Allele origin: germline.
Comment: This sequence change replaces arginine, which is basic and polar, with threonine, which is neutral and polar, at codon 619 of the ABCG5 protein (p.Arg619Thr). This variant is present in population databases (rs374012053, gnomAD 0.1%). This missense change has been observed in individual(s) with familial hypercholesterolemia (PMID: 32088153). ClinVar contains an entry for this variant (Variation ID: 854673). An algorithm developed to predict the effect of missense changes on protein structure and function (PolyPhen-2) suggests that this variant is likely to be disruptive. In summary, the available evidence is currently insufficient to determine the role of this variant in disease. Therefore, it has been classified as a Variant of Uncertain Significance.

Ambry Genetics
Classification: Uncertain significance for Cardiovascular phenotype. Last evaluated: 2024-05-14. Review status: criteria provided, single submitter. Criteria: Ambry Variant Classification Scheme 2023. Collection method: clinical testing. Allele origin: germline.

Revvity Omics, Revvity
Classification: Uncertain significance for Sitosterolemia 2. Last evaluated: 2022-06-14. Review status: criteria provided, single submitter. Criteria: ACMG Guidelines, 2015. Collection method: clinical testing. Allele origin: germline.

Literature cited by the submitters: PubMed 32088153 (cited by 3 submitters).